The following is an entry in ClinVar:

ClinVar aggregate classification (germline): Likely pathogenic (1 of 4 stars; one submission).

Conditions:
Osteogenesis imperfecta type I (OI1). Also called: Lobstein disease; OI, TYPE I; OSTEOGENESIS IMPERFECTA TARDA; OSTEOGENESIS IMPERFECTA WITH BLUE SCLERAE; Osteogenesis imperfecta type 1; Lobstein's Disease. Identifiers: Orphanet 216796, Orphanet 666, MedGen C0023931, MONDO:0008146, OMIM 166200. Disease mechanism: loss of function.
Ehlers-Danlos syndrome, classic type, 1 (EDSCL1). Also called: EDS I; EHLERS-DANLOS SYNDROME, GRAVIS TYPE; EHLERS-DANLOS SYNDROME, SEVERE CLASSIC TYPE; Ehlers-Danlos syndrome, type 1; Ehlers-Danlos Syndrome, Classic Type, COL5A1-Related. Identifiers: MedGen C0268335, MONDO:0019567, OMIM 130000.

Allele frequency attached by ClinVar (database versions not stated): gnomAD exomes below 0.00001.
gnomAD v4.1: 1 of 1,614,134 alleles (0.000062%); highest among the groups gnomAD compares: South Asian, 0.0011%; no homozygotes.

Submission:

Labcorp Genetics (formerly Invitae), Labcorp
Classification: Likely pathogenic for Osteogenesis imperfecta type I; Ehlers-Danlos syndrome, classic type, 1. Last evaluated: 2022-10-31. Review status: criteria provided, single submitter. Criteria: Invitae Variant Classification Sherloc (09022015). Collection method: clinical testing. Allele origin: germline.
Comment: Advanced modeling of protein sequence and biophysical properties (such as structural, functional, and spatial information, amino acid conservation, physicochemical variation, residue mobility, and thermodynamic stability) performed at Invitae indicates that this missense variant is expected to disrupt COL1A2 protein function. In summary, the currently available evidence indicates that the variant is pathogenic, but additional data are needed to prove that conclusively. Therefore, this variant has been classified as Likely Pathogenic. This variant disrupts the p.Gly853 amino acid residue in COL1A2. Other variant(s) that disrupt this residue have been observed in individuals with COL1A2-related conditions (PMID: 17078022, 21488231), which suggests that this may be a clinically significant amino acid residue. This variant disrupts the triple helix domain of COL1A2. Glycine residues within the Gly-Xaa-Yaa repeats of the triple helix domain are required for the structure and stability of fibrillar collagens (PMID: 7695699, 8218237, 19344236). In COL1A2, variants affecting these glycine residues are significantly enriched in individuals with disease (PMID: 9016532, 17078022) compared to the general population (ExAC). This variant has not been reported in the literature in individuals affected with COL1A2-related conditions. This variant is not present in population databases (gnomAD no frequency). This sequence change replaces glycine, which is neutral and non-polar, with alanine, which is neutral and non-polar, at codon 853 of the COL1A2 protein (p.Gly853Ala).

Literature cited by the submitters: PubMed 17078022; PubMed 21488231; PubMed 7695699; PubMed 8218237; PubMed 19344236; PubMed 9016532.

NM_000089.4(COL1A2):c.2558G>C (p.Gly853Ala)

Gene: COL1A2 (collagen type I alpha 2 chain; plus strand). Cytogenetic location: 7q21.3.
Variant type: single nucleotide variant.
Coding change: c.2558G>C on transcript NM_000089.4 (MANE Select); coding-DNA position 2558, G replaced by C.
Protein change: p.Gly853Ala; replaces glycine 853 with alanine.
Molecular consequence: missense variant.
Genome position (GRCh38, 1-based): chr7:94,423,111, G>C. VCF-style: chr7-94423111-G-C. GRCh37 (hg19) VCF-style: chr7-94052423-G-C.
Other names: short protein forms G853A.
Identifiers: ClinVar variation 2935894 (VCV002935894.3), dbSNP rs72658197, ClinGen allele CA368224159.